The following is an entry in ClinVar:

NM_001291303.3(FAT4):c.8792A>G (p.Asn2931Ser)

Gene: FAT4 (FAT atypical cadherin 4; plus strand). Cytogenetic location: 4q28.1.
Variant type: single nucleotide variant.
Coding change: c.8792A>G on transcript NM_001291303.3 (MANE Select); coding-DNA position 8792, A replaced by G.
Protein change: p.Asn2931Ser; replaces asparagine 2931 with serine.
Molecular consequence: missense variant.
Genome position (GRCh38, 1-based): chr4:125,449,802, A>G. VCF-style: chr4-125449802-A-G. GRCh37 (hg19) VCF-style: chr4-126370957-A-G.
Other names: c.8792A>G, p.Asn2931Ser (NM_001291285.3); c.8786A>G, p.Asn2929Ser (NM_024582.6); short protein forms N2929S, N2931S.
Identifiers: ClinVar variation 2873252 (VCV002873252.4), dbSNP rs755958825, ClinGen allele CA3073425.

ClinVar aggregate classification (germline): Uncertain significance. Review status: criteria provided, multiple submitters, no conflicts (2 of 4 stars). 2 submissions from 2 submitters: Uncertain significance (2). Last evaluated 2024-06-05.

Allele frequency attached by ClinVar (database versions not stated): gnomAD exomes below 0.00001; ExAC 0.00001; gnomAD 0.00001; TOPMed 0.00003.
gnomAD v4.1: 4 of 1,613,764 alleles (0.00025%); highest among the groups gnomAD compares: African/African-American, 0.004%; no homozygotes.

Submissions (2):

Blueprint Genetics
Classification: Uncertain significance. Last evaluated: 2024-06-05. Review status: criteria provided, single submitter. Criteria: ACMG Guidelines, 2015. Collection method: clinical testing. Allele origin: germline.

Labcorp Genetics (formerly Invitae), Labcorp
Classification: Uncertain significance. Last evaluated: 2023-10-04. Review status: criteria provided, single submitter. Criteria: Invitae Variant Classification Sherloc (09022015). Collection method: clinical testing. Allele origin: germline.
Comment: This sequence change replaces asparagine, which is neutral and polar, with serine, which is neutral and polar, at codon 2929 of the FAT4 protein (p.Asn2929Ser). This variant is present in population databases (rs755958825, gnomAD 0.008%). This variant has not been reported in the literature in individuals affected with FAT4-related conditions. Advanced modeling of protein sequence and biophysical properties (such as structural, functional, and spatial information, amino acid conservation, physicochemical variation, residue mobility, and thermodynamic stability) performed at Invitae indicates that this missense variant is not expected to disrupt FAT4 protein function. In summary, the available evidence is currently insufficient to determine the role of this variant in disease. Therefore, it has been classified as a Variant of Uncertain Significance.